The following is an entry in ClinVar:

NM_138694.4(PKHD1):c.11408dup (p.Ala3804fs)

Gene: PKHD1 (PKHD1 ciliary IPT domain containing fibrocystin/polyductin; minus strand). Cytogenetic location: 6p12.3.
Variant type: Duplication.
Coding change: c.11408dup on transcript NM_138694.4 (MANE Select); coding-DNA position 11408, one base duplicated (A; older notation c.11408dupA).
Protein change: p.Ala3804fs; shifts the reading frame from alanine 3804.
Molecular consequence: frameshift variant.
Genome position (GRCh38, 1-based): chr6:51,638,947, T duplicated on the plus strand (A on the coding strand, the reverse complement: PKHD1 is on the minus strand). VCF-style (leftmost placement, unchanged base first): chr6-51638946-C-CT. GRCh37 (hg19) VCF-style: chr6-51503744-C-CT.
Other names: p.Ala3804GlyfsTer9; c.11408dupA (NM_138694.3); c.11408dup (NM_138694.3); short protein forms A3804fs.
Identifiers: ClinVar variation 1073631 (VCV001073631.14), dbSNP rs2150329535, ClinGen allele CA2499218336.

ClinVar aggregate classification (germline): Pathogenic. Review status: criteria provided, multiple submitters, no conflicts (2 of 4 stars). 5 submissions from 5 submitters: Pathogenic (5). Last evaluated 2026-01-20.

Conditions:
Polycystic kidney disease 4 (PKD4). Also called: POLYCYSTIC KIDNEY AND HEPATIC DISEASE 1; POLYCYSTIC KIDNEY DISEASE, INFANTILE, TYPE I; POLYCYSTIC KIDNEY DISEASE 4 WITH OR WITHOUT POLYCYSTIC LIVER DISEASE; Autosomal Recessive Polycystic Kidney Disease – PKHD1; PKD3. Identifiers: MedGen C4540575, MONDO:0033004, OMIM 263200.
PKHD1-related disorder. Also called: PKHD1-related condition.
Autosomal recessive polycystic kidney disease (ARPKD). Also called: AR polycystic kidney disease. Identifiers: Orphanet 731, Orphanet 8378, MedGen C0085548, MeSH D017044, MONDO:0009889.

Submissions (5):

Labcorp Genetics (formerly Invitae), Labcorp
Classification: Pathogenic for Autosomal recessive polycystic kidney disease. Last evaluated: 2026-01-20. Review status: criteria provided, single submitter. Criteria: Invitae Variant Classification Sherloc (09022015). Collection method: clinical testing. Allele origin: germline.
Comment: This sequence change creates a premature translational stop signal (p.Ala3804Glyfs*9) in the PKHD1 gene. It is expected to result in an absent or disrupted protein product. Loss-of-function variants in PKHD1 are known to be pathogenic (PMID: 19940839). This variant is not present in population databases (gnomAD no frequency). This premature translational stop signal has been observed in individual(s) with polycystic kidney disease (PMID: 16133180). ClinVar contains an entry for this variant (Variation ID: 1073631). For these reasons, this variant has been classified as Pathogenic.

Natera, Inc.
Classification: Pathogenic for Autosomal recessive polycystic kidney disease. Last evaluated: 2025-08-19. Review status: criteria provided, single submitter. Criteria: Natera Variant Classification Schema (03/2026). Collection method: clinical testing. Allele origin: germline.
Comment: The c.11408dupA variant in PKHD1 is a frameshift variant predicted to shift the reading frame beginning at codon 3804 and leads to a stop codon 9 codons downstream. This variant is expected to result in nonsense mediated decay, truncation, or a dysfunctional protein product. This variant is rare in the general population with a frequency below the threshold expected for the associated phenotype(s). This variant has been observed in one or more individuals affected with the associated recessive disease, as either homozygous or compound heterozygous with a second variant (PMID: 16133180). Given the available evidence, this variant is classified as Pathogenic.

Blueprint Genetics
Classification: Pathogenic for PKHD1-related disorders. Last evaluated: 2024-06-04. Review status: criteria provided, single submitter. Criteria: ACMG Guidelines, 2015. Collection method: clinical testing. Allele origin: germline. Affected: yes. Observed: 1 variant allele.

Fulgent Genetics
Classification: Pathogenic for Polycystic kidney disease 4. Last evaluated: 2024-05-04. Review status: criteria provided, single submitter. Criteria: ACMG Guidelines, 2015. Collection method: clinical testing. Allele origin: germline.

Breakthrough Genomics
Classification: Pathogenic for Polycystic kidney disease 4. Last evaluated: 2020-11-17. Review status: criteria provided, single submitter. Criteria: ACMG Guidelines, 2015. Collection method: clinical testing. Allele origin: germline. Affected: yes.
Comment: This variant is predicted to cause a frameshift and consequent premature termination of the protein and the resultant protein will likely to lack the transmembrane and c-terminal cytoplasmic domains of the protein [UniProt]; this will likely result in loss-of-function. Due to the introduction of a premature stop codon, this aberrant transcript will likely be targeted by the nonsense-mediated mRNA decay (NMD) mechanism [PMID: 15040442]. The variant seems to be a novel variant, as it has not been previously reported in population databases or in the literature. However, several other truncating variants lying downstream of the variant, have been previously reported as ‘pathogenic/likely pathogenic’ in the ClinVar database context of autosomal recessive polycystic kidney disease.

Literature cited by the submitters: PubMed 19940839 (cited by Labcorp Genetics (formerly Invitae), Labcorp); PubMed 16133180 (cited by Labcorp Genetics (formerly Invitae), Labcorp and Natera, Inc.).